The following is an entry in ClinVar:

ClinVar aggregate classification (germline): Uncertain significance. Review status: criteria provided, multiple submitters, no conflicts (2 of 4 stars). 2 submissions from 2 submitters: Uncertain significance (2). Last evaluated 2024-04-01.

Allele frequency attached by ClinVar (database versions not stated): TOPMed 0.00001; ExAC 0.00002; gnomAD 0.00002; gnomAD exomes 0.00002.
gnomAD v4.1: 26 of 1,613,712 alleles (0.0016%); highest among the groups gnomAD compares: Non-Finnish European, 0.0021%; no homozygotes.

Submissions (2):

Labcorp Genetics (formerly Invitae), Labcorp
Classification: Uncertain significance. Last evaluated: 2024-04-01. Review status: criteria provided, single submitter. Criteria: Invitae Variant Classification Sherloc (09022015). Collection method: clinical testing. Allele origin: germline.
Comment: This sequence change replaces isoleucine, which is neutral and non-polar, with valine, which is neutral and non-polar, at codon 624 of the ACO2 protein (p.Ile624Val). This variant is present in population databases (rs751080980, gnomAD 0.0009%). This variant has not been reported in the literature in individuals affected with ACO2-related conditions. ClinVar contains an entry for this variant (Variation ID: 2150346). Advanced modeling of protein sequence and biophysical properties (such as structural, functional, and spatial information, amino acid conservation, physicochemical variation, residue mobility, and thermodynamic stability) performed at Invitae indicates that this missense variant is not expected to disrupt ACO2 protein function with a negative predictive value of 80%. In summary, the available evidence is currently insufficient to determine the role of this variant in disease. Therefore, it has been classified as a Variant of Uncertain Significance.

Blueprint Genetics
Classification: Uncertain significance. Last evaluated: 2022-08-05. Review status: criteria provided, single submitter. Criteria: ACMG Guidelines, 2015. Collection method: clinical testing. Allele origin: germline.

NM_001098.3(ACO2):c.1870A>G (p.Ile624Val)

Genes: ACO2 (aconitase 2; plus strand), POLR3H (RNA polymerase III subunit H; minus strand). Cytogenetic location: 22q13.2.
Variant type: single nucleotide variant.
Coding change: c.1870A>G on transcript NM_001098.3 (MANE Select); coding-DNA position 1870, A replaced by G.
Protein change: p.Ile624Val; replaces isoleucine 624 with valine.
Molecular consequence: missense variant. On other transcripts: 3 prime UTR variant (5).
Genome position (GRCh38, 1-based): chr22:41,526,370, A>G. VCF-style: chr22-41526370-A-G. GRCh37 (hg19) VCF-style: chr22-41922374-A-G.
Other names: c.*2913T>C (NM_001018050.4, NM_001018052.4, NM_001282884.2 and 2 more transcripts); short protein forms I624V.
Identifiers: ClinVar variation 2150346 (VCV002150346.4), dbSNP rs751080980, ClinGen allele CA10257793.
Genomic context (GRCh38, chr22:41,526,370, plus strand): 5'-CTCAAGTTCCGTGGGCACTTGGATAACATCTCCAACAACCTGCTCATTGGTGCCATCAAC[A>G]TTGAAAACGGCAAGGCCAACTCCGTGCGCAATGCCGTCACTCAGGAGTTTGGCCCCGTCC-3'
Protein context (NP_001089.1, residues 614-634): SNNLLIGAIN[Ile624Val]ENGKANSVRN